The following is an entry in ClinVar:

NM_020366.4(RPGRIP1):c.2100G>T (p.Arg700=)

Gene: RPGRIP1 (RPGR interacting protein 1; plus strand). Cytogenetic location: 14q11.2.
Variant type: single nucleotide variant.
Coding change: c.2100G>T on transcript NM_020366.4 (MANE Select); coding-DNA position 2100, G replaced by T.
Protein change: p.Arg700=; no amino-acid change (arginine 700 retained).
Molecular consequence: synonymous variant. On other transcripts: intron variant (4).
Genome position (GRCh38, 1-based): chr14:21,324,955, G>T. VCF-style: chr14-21324955-G-T. GRCh37 (hg19) VCF-style: chr14-21793114-G-T.
Other names: c.1026G>T, p.Arg342= (NM_001377948.1); c.796+230G>T (NM_001377949.1); c.689-2668G>T (NM_001377523.1, NM_001377950.1); c.191-2668G>T (NM_001377951.1).
Identifiers: ClinVar variation 775009 (VCV000775009.12), dbSNP rs369515171, ClinGen allele CA7089155.
Genomic context (GRCh38, chr14:21,324,955, plus strand): 5'-CCAGTATGTGATGGAGACAGATTCGCTTTTCTTACACTACCTTCAAGAGGCTTCAGCCCG[G>T]CTTGACATACACCAGGCCATGGCCAGTGAACACAGCACTCTTGCTGCAGGATGGATTTGC-3'
Protein context (NP_065099.3, residues 690-710): FLHYLQEASA[Arg700=]LDIHQAMASE

ClinVar aggregate classification (germline): Benign/Likely benign. Review status: criteria provided, multiple submitters, no conflicts (2 of 4 stars). 5 submissions from 5 submitters: Benign (1); Likely benign (2). 2 of the submissions do not count toward it. Last evaluated 2026-09-17.

Conditions:
RPGRIP1-related disorder. Also called: RPGRIP1-related condition.
Leber congenital amaurosis 6 (LCA6). Identifiers: Orphanet 65, MedGen C1854260, MONDO:0013446, OMIM 613826.
Cone-rod dystrophy 13 (CORD13). Identifiers: Orphanet 1872, MedGen C2750720, MONDO:0011987, OMIM 608194.

Allele frequency attached by ClinVar (database versions not stated): TOPMed 0.00011; ESP Exome Variant Server 0.00024; gnomAD 0.00048.
gnomAD v4.1: 517 of 1,613,904 alleles (0.032%); highest among the groups gnomAD compares: Non-Finnish European, 0.028%; 1 homozygote.

Submissions (5):

PreventionGenetics, part of Exact Sciences
Classification: Likely benign for RPGRIP1-related condition. Last evaluated: 2026-09-17. Review status: criteria provided, single submitter. Criteria: ACMG Guidelines, 2015. Collection method: clinical testing. Allele origin: germline.
Comment: This variant is classified as likely benign based on ACMG/AMP sequence variant interpretation guidelines (Richards et al. 2015 PMID: 25741868, with internal and published modifications).

Labcorp Genetics (formerly Invitae), Labcorp
Classification: Benign for Leber congenital amaurosis 6; Cone-rod dystrophy 13. Last evaluated: 2026-01-09. Review status: criteria provided, single submitter. Criteria: Invitae Variant Classification Sherloc (09022015). Collection method: clinical testing. Allele origin: germline.

Blueprint Genetics
Classification: Likely benign. Last evaluated: 2024-08-21. Review status: criteria provided, single submitter. Criteria: ACMG Guidelines, 2015. Collection method: clinical testing. Allele origin: germline.

Clinical Genetics DNA and cytogenetics Diagnostics Lab, Erasmus MC, Erasmus Medical Center
Classification: Likely benign. Review status: no assertion criteria provided. Collection method: clinical testing. Allele origin: germline. Affected: yes. Study: VKGL Data-share Consensus. Not counted in ClinVar's aggregate classification.

Genome Diagnostics Laboratory, University Medical Center Utrecht
Classification: Likely benign. Review status: no assertion criteria provided. Collection method: clinical testing. Allele origin: germline. Affected: yes. Study: VKGL Data-share Consensus. Not counted in ClinVar's aggregate classification.